The following is an entry in ClinVar:

ClinVar aggregate classification (germline): Likely benign (1 of 4 stars; one submission).

Conditions:
Succinate-semialdehyde dehydrogenase deficiency (SSADHD). Also called: Succinic Semialdehyde Dehydrogenase Deficiency; 4-HYDROXYBUTYRIC ACIDURIA; GABA METABOLIC DEFECT; SSADH DEFICIENCY. Identifiers: Orphanet 22, MedGen C0268631, MONDO:0010083, OMIM 271980.

Allele frequency attached by ClinVar (database versions not stated): 1000 Genomes Project 0.00040; 1000 Genomes Project 30x 0.00047; TOPMed 0.00108; gnomAD 0.00115 and 0.00117.

Submission:

Illumina Laboratory Services, Illumina
Classification: Likely benign for Succinate-semialdehyde dehydrogenase deficiency. Last evaluated: 2018-01-13. Review status: criteria provided, single submitter. Criteria: ICSL Variant Classification Criteria 13 December 2019. Collection method: clinical testing. Allele origin: germline.
Comment: This variant was observed in the ICSL laboratory as part of a predisposition screen in an ostensibly healthy population. It had not been previously curated by ICSL or reported in the Human Gene Mutation Database (HGMD: prior to June 1st, 2018), and was therefore a candidate for classification through an automated scoring system. Utilizing variant allele frequency, disease prevalence and penetrance estimates, and inheritance mode, an automated score was calculated to assess if this variant is too frequent to cause the disease. Based on the score and internal cut-off values, a variant classified as likely benign is not then subjected to further curation. The score for this variant resulted in a classification of likely benign for this disease.

NM_001080.3(ALDH5A1):c.*3190A>G

Gene: ALDH5A1 (aldehyde dehydrogenase 5 family member A1; plus strand). Cytogenetic location: 6p22.3.
Variant type: single nucleotide variant.
Coding change: c.*3190A>G on transcript NM_001080.3 (MANE Select); 3190 bases downstream of the stop codon, A replaced by G.
Molecular consequence: 3 prime UTR variant.
Genome position (GRCh38, 1-based): chr6:24,536,902, A>G. VCF-style: chr6-24536902-A-G. GRCh37 (hg19) VCF-style: chr6-24537130-A-G.
Other names: c.*3190A>G (NM_001368954.1, NM_170740.1).
Identifiers: ClinVar variation 905129 (VCV000905129.4), dbSNP rs182106500, ClinGen allele CA136115775.
Genomic context (GRCh38, chr6:24,536,902, plus strand): 5'-CAGCAGAAATAAAGATCAGAAGCAAATGTGAGCAAATCTGTTTTACTGTTAACTTCAATT[A>G]TGAACTTGAAATTGTGCCACATGACTTTTTCCTCTAAAAACTGGATCCTAGTGTTTTAAT-3'